The following is an entry in ClinVar:

ClinVar aggregate classification (germline): Uncertain significance. Review status: criteria provided, multiple submitters, no conflicts (2 of 4 stars). 2 submissions from 2 submitters: Uncertain significance (2). Last evaluated 2025-06-30.

Conditions:
Familial thoracic aortic aneurysm and aortic dissection (TAAD). Also called: Thoracic aortic aneurysms and dissections. Identifiers: Orphanet 91387, MedGen C4707243, MONDO:0019625.

gnomAD v4.1: 1 of 1,613,532 alleles (0.000062%); highest among the groups gnomAD compares: Non-Finnish European, 0.000085%; no homozygotes.

Submissions (2):

Color Diagnostics, LLC DBA Color Health
Classification: Uncertain significance for Familial thoracic aortic aneurysm and aortic dissection. Last evaluated: 2025-06-30. Review status: criteria provided, single submitter. Criteria: ACMG Guidelines, 2015. Collection method: clinical testing. Allele origin: germline.
Comment: This missense variant replaces threonine with methionine at codon 57 of the SMAD3 protein. Computational prediction is inconclusive regarding the impact of this variant on protein structure and function. To our knowledge, functional studies have not been reported for this variant. This variant has not been reported in individuals affected with SMAD3-related disorders in the literature. This variant has not been identified in the general population by the Genome Aggregation Database (gnomAD). The available evidence is insufficient to determine the role of this variant in disease conclusively. Therefore, this variant is classified as a Variant of Uncertain Significance.

Ambry Genetics
Classification: Uncertain significance for Familial thoracic aortic aneurysm and aortic dissection. Last evaluated: 2025-05-27. Review status: criteria provided, single submitter. Criteria: Ambry Variant Classification Scheme 2023. Collection method: clinical testing. Allele origin: germline.
Comment: The p.T57M variant (also known as c.170C>T), located in coding exon 1 of the SMAD3 gene, results from a C to T substitution at nucleotide position 170. The threonine at codon 57 is replaced by methionine, an amino acid with similar properties. This amino acid position is conserved. In addition, the in silico prediction for this alteration is inconclusive. Based on the available evidence, the clinical significance of this variant remains unclear.

NM_005902.4(SMAD3):c.170C>T (p.Thr57Met)

Gene: SMAD3 (SMAD family member 3; plus strand). Cytogenetic location: 15q22.33.
Variant type: single nucleotide variant.
Coding change: c.170C>T on transcript NM_005902.4 (MANE Select); coding-DNA position 170, C replaced by T.
Protein change: p.Thr57Met; replaces threonine 57 with methionine.
Molecular consequence: missense variant.
Genome position (GRCh38, 1-based): chr15:67,066,324, C>T. VCF-style: chr15-67066324-C-T. GRCh37 (hg19) VCF-style: chr15-67358662-C-T.
Other names: c.170C>T, p.Thr57Met (NM_001407011.1, NM_001407012.1, NM_001407013.1); short protein forms T57M.
Identifiers: ClinVar variation 3958349 (VCV003958349.2).